The following is an entry in ClinVar:

ClinVar aggregate classification (germline): Likely pathogenic (1 of 4 stars; one submission).

Conditions:
Ciliary dyskinesia, primary, 50 (CILD50). Identifiers: MedGen C5830473, MONDO:0957252, OMIM 620356.

Submission:

Department of Molecular Genetics, Istishari Arab Hospital
Classification: Likely pathogenic for Ciliary dyskinesia, primary, 50. Last evaluated: 2026-04-22. Review status: criteria provided, single submitter. Criteria: ACMG Guidelines, 2015. Collection method: clinical testing. Allele origin: germline. Inheritance: Autosomal recessive inheritance. Affected: yes.
Comment: The DNAH7 variant c.6404dup, p.Leu2135Phefs*6 creates a shift in the reading frame starting at codon 2135 in exon 39 (out of 65 exons). The new reading frame ends in a stop codon 6 positions downstream. This variant is observed at very low frequency (<0.001) in the gnomAD v4.1.0 dataset, and to the best of our knowledge, it has not been previously reported in the literature. It is classified as likely pathogenic according to the recommendations of ACMG/AMP/ClinGen SVI guidelines.

NM_018897.3(DNAH7):c.6404dup (p.Leu2135fs)

Gene: DNAH7 (dynein axonemal heavy chain 7; minus strand). Cytogenetic location: 2q32.3.
Variant type: Duplication.
Coding change: c.6404dup on transcript NM_018897.3 (MANE Select); coding-DNA position 6404, one base duplicated (T; older notation c.6404dupT).
Protein change: p.Leu2135fs; shifts the reading frame from leucine 2135.
Molecular consequence: frameshift variant.
Genome position (GRCh38, 1-based): chr2:195,873,577, A duplicated on the plus strand (T on the coding strand, the reverse complement: DNAH7 is on the minus strand); the first of 3 consecutive A bases (chr2:195,873,577-195,873,579); duplicating any one gives the same sequence. VCF-style (leftmost placement, unchanged base first): chr2-195873576-T-TA. GRCh37 (hg19) VCF-style: chr2-196738300-T-TA.
Other names: p.Leu2135Phefs*6; short protein forms L2135fs.
Identifiers: ClinVar variation 4845224 (VCV004845224.1).